The following is an entry in ClinVar:

NM_014946.4(SPAST):c.1768A>G (p.Lys590Glu)

Gene: SPAST (spastin; plus strand). Cytogenetic location: 2p22.3.
Variant type: single nucleotide variant.
Coding change: c.1768A>G on transcript NM_014946.4 (MANE Select); coding-DNA position 1768, A replaced by G.
Protein change: p.Lys590Glu; replaces lysine 590 with glutamic acid.
Molecular consequence: missense variant. On other transcripts: 3 prime UTR variant (1).
Genome position (GRCh38, 1-based): chr2:32,154,413, A>G. VCF-style: chr2-32154413-A-G. GRCh37 (hg19) VCF-style: chr2-32379482-A-G.
Other names: c.1765A>G, p.Lys589Glu (NM_001363823.2); c.1669A>G, p.Lys557Glu (NM_001363875.2); c.*41A>G (NM_001377959.1); c.1672A>G, p.Lys558Glu (NM_199436.2); short protein forms K590E, K558E, K557E, K589E.
Identifiers: ClinVar variation 2707999 (VCV002707999.3), dbSNP rs2465946359, ClinGen allele CA346505600.

ClinVar aggregate classification (germline): Uncertain significance (1 of 4 stars; one submission).

Conditions:
Hereditary spastic paraplegia 4. Also called: Spastic paraplegia 4, autosomal dominant; Familial spastic paraplegia autosomal dominant 2; Spastic Paraplegia 4. Identifiers: Orphanet 100985, MedGen C1866855, MONDO:0008438, OMIM 182601.

Allele frequency attached by ClinVar (database versions not stated): gnomAD exomes below 0.00001.
gnomAD v4.1: 1 of 1,612,822 alleles (0.000062%); highest among the groups gnomAD compares: African/African-American, 0.0013%; no homozygotes.

Submission:

Labcorp Genetics (formerly Invitae), Labcorp
Classification: Uncertain significance for Hereditary spastic paraplegia 4. Last evaluated: 2024-01-13. Review status: criteria provided, single submitter. Criteria: Invitae Variant Classification Sherloc (09022015). Collection method: clinical testing. Allele origin: germline.
Comment: This sequence change replaces lysine, which is basic and polar, with glutamic acid, which is acidic and polar, at codon 590 of the SPAST protein (p.Lys590Glu). This variant is not present in population databases (gnomAD no frequency). This variant has not been reported in the literature in individuals affected with SPAST-related conditions. Advanced modeling of protein sequence and biophysical properties (such as structural, functional, and spatial information, amino acid conservation, physicochemical variation, residue mobility, and thermodynamic stability) performed at Invitae indicates that this missense variant is not expected to disrupt SPAST protein function with a negative predictive value of 80%. In summary, the available evidence is currently insufficient to determine the role of this variant in disease. Therefore, it has been classified as a Variant of Uncertain Significance.